The following is an entry in ClinVar:

NM_201384.3(PLEC):c.4534C>T (p.Gln1512Ter)

Gene: PLEC (plectin; minus strand). Cytogenetic location: 8q24.3.
Variant type: single nucleotide variant.
Coding change: c.4534C>T on transcript NM_201384.3 (MANE Select); coding-DNA position 4534, C replaced by T.
Protein change: p.Gln1512Ter; replaces glutamine 1512 with a stop codon.
Molecular consequence: nonsense. On other transcripts: intron variant (1).
Genome position (GRCh38, 1-based): chr8:143,925,395, G>A on the plus strand (C>T on the coding strand, the complement: PLEC is on the minus strand). VCF-style: chr8-143925395-G-A. GRCh37 (hg19) VCF-style: chr8-144999563-G-A.
Other names: c.4615C>T, p.Gln1539Ter (NM_000445.5); c.4492C>T, p.Gln1498Ter (NM_201378.4); c.4468C>T, p.Gln1490Ter (NM_201379.3); c.4945C>T, p.Gln1649Ter (NM_201380.4); c.4438C>T, p.Gln1480Ter (NM_201381.3); c.4534C>T, p.Gln1512Ter (NM_201382.4); c.4546C>T, p.Gln1516Ter (NM_201383.3); c.4125+1389C>T (NM_001410941.1); short protein forms Q1480*, Q1490*, Q1512*, Q1516*, Q1539*, Q1498*, Q1649*.
Identifiers: ClinVar variation 2941870 (VCV002941870.3), dbSNP rs1424946706, ClinGen allele CA372555718.

ClinVar aggregate classification (germline): Pathogenic (1 of 4 stars; one submission).

Conditions:
Epidermolysis bullosa simplex with nail dystrophy (EBS5D). Identifiers: MedGen C4225309, MONDO:0014661, OMIM 616487.
Epidermolysis bullosa simplex, Ogna type (EBS5A). Also called: Pidermolysis bullosa simplex 5A, Ogna type; EPIDERMOLYSIS BULLOSA SIMPLEX 5A, OGNA TYPE. Identifiers: Orphanet 79401, MedGen C0432317, MONDO:0007555, OMIM 131950.
Autosomal recessive limb-girdle muscular dystrophy type 2Q (LGMDR17). Also called: MUSCULAR DYSTROPHY, LIMB-GIRDLE, AUTOSOMAL RECESSIVE 17. Identifiers: Orphanet 254361, MedGen C3150989, MONDO:0013390, OMIM 613723.
Epidermolysis bullosa simplex 5B, with muscular dystrophy (EBS5B). Also called: EPIDERMOLYSIS BULLOSA SIMPLEX AND LIMB-GIRDLE MUSCULAR DYSTROPHY; Epidermolysis bullosa simplex with muscular dystrophy. Identifiers: Orphanet 257, MedGen C2931072, MONDO:0009181, OMIM 226670.
Epidermolysis bullosa simplex 5C, with pyloric atresia (EBS5C). Also called: PLEC-Related Epidermolysis Bullosa with Pyloric Atresia; Epidermolysis bullosa simplex with pyloric atresia; PLEC1-Related Epidermolysis Bullosa with Pyloric Atresia. Identifiers: Orphanet 158684, MedGen C2677349, MONDO:0012807, OMIM 612138.

Allele frequency attached by ClinVar (database versions not stated): TOPMed below 0.00001.

Submission:

Labcorp Genetics (formerly Invitae), Labcorp
Classification: Pathogenic for Autosomal recessive limb-girdle muscular dystrophy type 2Q; Epidermolysis bullosa simplex, Ogna type; Epidermolysis bullosa simplex with nail dystrophy; Epidermolysis bullosa simplex 5C, with pyloric atresia; Epidermolysis bullosa simplex 5B, with muscular dystrophy. Last evaluated: 2022-11-26. Review status: criteria provided, single submitter. Criteria: Invitae Variant Classification Sherloc (09022015). Collection method: clinical testing. Allele origin: germline.
Comment: For these reasons, this variant has been classified as Pathogenic. This variant has not been reported in the literature in individuals affected with PLEC-related conditions. This variant is not present in population databases (gnomAD no frequency). This sequence change creates a premature translational stop signal (p.Gln1539*) in the PLEC gene. It is expected to result in an absent or disrupted protein product. Loss-of-function variants in PLEC are known to be pathogenic (PMID: 20301336, 20447487, 21109228, 23289980, 28824526).

Literature cited by the submitters: PubMed 20301336; PubMed 20447487; PubMed 21109228; PubMed 23289980; PubMed 28824526.